The following is an entry in ClinVar:

ClinVar aggregate classification (germline): Pathogenic. Review status: criteria provided, single submitter (1 of 4 stars). 2 submissions from 2 submitters: Pathogenic (1). 1 of the submissions does not count toward it. Last evaluated 2025-03-31.

Submissions (2):

Labcorp Genetics (formerly Invitae), Labcorp
Classification: Pathogenic. Last evaluated: 2025-03-31. Review status: criteria provided, single submitter. Criteria: Invitae Variant Classification Sherloc (09022015). Collection method: clinical testing. Allele origin: germline.
Comment: This sequence change replaces glycine, which is neutral and non-polar, with aspartic acid, which is acidic and polar, at codon 84 of the GPR143 protein (p.Gly84Asp). This variant is not present in population databases (gnomAD no frequency). This missense change has been observed in individuals with oculocutaneous albinism (PMID: 8634705, 12868035, 31574285; internal data). ClinVar contains an entry for this variant (Variation ID: 98624). Invitae Evidence Modeling of protein sequence and biophysical properties (such as structural, functional, and spatial information, amino acid conservation, physicochemical variation, residue mobility, and thermodynamic stability) indicates that this missense variant is expected to disrupt GPR143 protein function with a positive predictive value of 95%. Experimental studies have shown that this missense change affects GPR143 function (PMID: 11115845). For these reasons, this variant has been classified as Pathogenic.

Retina International
No classification provided. Review status: no classification provided. Collection method: not provided. Allele origin: not provided. Not counted in ClinVar's aggregate classification.

Literature cited by the submitters: PubMed 8634705 (cited by Labcorp Genetics (formerly Invitae), Labcorp); PubMed 12868035 (cited by Labcorp Genetics (formerly Invitae), Labcorp); PubMed 31574285 (cited by Labcorp Genetics (formerly Invitae), Labcorp); PubMed 11115845 (cited by Labcorp Genetics (formerly Invitae), Labcorp).

NM_000273.3(GPR143):c.251G>A (p.Gly84Asp)

Gene: GPR143 (G protein-coupled receptor 143; minus strand). Cytogenetic location: Xp22.2.
Variant type: single nucleotide variant.
Coding change: c.251G>A on transcript NM_000273.3 (MANE Select); coding-DNA position 251, G replaced by A.
Protein change: p.Gly84Asp; replaces glycine 84 with aspartic acid.
Molecular consequence: missense variant.
Genome position (GRCh38, 1-based): chrX:9,760,826, C>T on the plus strand (G>A on the coding strand, the complement: GPR143 is on the minus strand). VCF-style: chrX-9760826-C-T. GRCh37 (hg19) VCF-style: chrX-9728866-C-T.
Other names: short protein forms G84D.
Identifiers: ClinVar variation 98624 (VCV000098624.8), dbSNP rs62635027, ClinGen allele CA226171.